The following is an entry in ClinVar:

ClinVar aggregate classification (germline): Uncertain significance (1 of 4 stars; one submission).

Submission:

GeneDx
Classification: Uncertain significance. Last evaluated: 2024-07-25. Review status: criteria provided, single submitter. Criteria: GeneDx Variant Classification Process June 2021. Collection method: clinical testing. Allele origin: germline. Affected: yes.
Comment: Not observed at significant frequency in large population cohorts (gnomAD); In silico analysis supports that this missense variant has a deleterious effect on protein structure/function; Has not been previously published as pathogenic or benign to our knowledge

NM_024496.4(IRF2BPL):c.1366G>A (p.Gly456Ser)

Gene: IRF2BPL (interferon regulatory factor 2 binding protein like; minus strand). Cytogenetic location: 14q24.3.
Variant type: single nucleotide variant.
Coding change: c.1366G>A on transcript NM_024496.4 (MANE Select); coding-DNA position 1366, G replaced by A.
Protein change: p.Gly456Ser; replaces glycine 456 with serine.
Molecular consequence: missense variant.
Genome position (GRCh38, 1-based): chr14:77,026,427, C>T on the plus strand (G>A on the coding strand, the complement: IRF2BPL is on the minus strand). VCF-style: chr14-77026427-C-T. GRCh37 (hg19) VCF-style: chr14-77492770-C-T.
Other names: short protein forms G456S.
Identifiers: ClinVar variation 3600978 (VCV003600978.1).
Genomic context (GRCh38, chr14:77,026,427, plus strand): 5'-CTCCAAGCAGGCGCCAGTCCCCGGAGCCGTGCTTCTTTTCGTACTCCAGGTACTTGAAAC[C>T]CGAGGATAGGCCCCGGCCGAAGTCCTTCATGCAGTCCTGATACATCTGCTTGGCCACACC-3'
Protein context (NP_078772.1, residues 446-466): MKDFGRGLSS[Gly456Ser]FKYLEYEKKH